The following is an entry in ClinVar:

ClinVar aggregate classification (germline): Likely benign (0 of 4 stars; one submission).

Conditions:
CHD8-related disorder. Also called: CHD8-related disorders; CHD8-related condition.

gnomAD v4.1: 7 of 1,367,368 alleles (0.00051%); highest among the groups gnomAD compares: Non-Finnish European, 0.00072%; no homozygotes.

Submission:

PreventionGenetics, part of Exact Sciences
Classification: Likely benign for CHD8-related condition. Last evaluated: 2023-08-11. Review status: no assertion criteria provided. Collection method: clinical testing. Allele origin: germline.
Comment: This variant is classified as likely benign based on ACMG/AMP sequence variant interpretation guidelines (Richards et al. 2015 PMID: 25741868, with internal and published modifications).

NM_001170629.2(CHD8):c.2142+6T>G

Gene: CHD8 (chromodomain helicase DNA binding protein 8; minus strand). Cytogenetic location: 14q11.2.
Variant type: single nucleotide variant.
Coding change: c.2142+6T>G on transcript NM_001170629.2 (MANE Select); 6 bases into the intron after coding-DNA position 2142, T replaced by G.
Molecular consequence: intron variant.
Genome position (GRCh38, 1-based): chr14:21,414,295, A>C on the plus strand (T>G on the coding strand, the complement: CHD8 is on the minus strand). VCF-style: chr14-21414295-A-C. GRCh37 (hg19) VCF-style: chr14-21882454-A-C.
Other names: c.1305+6T>G (NM_020920.4).
Identifiers: ClinVar variation 3048013 (VCV003048013.2), dbSNP rs772226350, ClinGen allele CA612363230.